The following is an entry in ClinVar:

NM_000393.5(COL5A2):c.1783G>A (p.Glu595Lys)

Gene: COL5A2 (collagen type V alpha 2 chain; minus strand). Cytogenetic location: 2q32.2.
Variant type: single nucleotide variant.
Coding change: c.1783G>A on transcript NM_000393.5 (MANE Select); coding-DNA position 1783, G replaced by A.
Protein change: p.Glu595Lys; replaces glutamic acid 595 with lysine.
Molecular consequence: missense variant.
Genome position (GRCh38, 1-based): chr2:189,063,258, C>T on the plus strand (G>A on the coding strand, the complement: COL5A2 is on the minus strand). VCF-style: chr2-189063258-C-T. GRCh37 (hg19) VCF-style: chr2-189927984-C-T.
Other names: short protein forms E595K.
Identifiers: ClinVar variation 4232340 (VCV004232340.1).
Genomic context (GRCh38, chr2:189,063,258, plus strand): 5'-CCATGCTCCCGGGCTGCCCTCTGATTCCTATGGAGCCTGGAGGACCTGGACGGCCATCTT[C>T]CCCTGGCGCACCCTATAGAATTGACAGGAGCCATGTAAGTTTCATGTAAGTTGTTTCTAA-3'
Protein context (NP_000384.2, residues 585-605): GKLGPLGAPG[Glu595Lys]DGRPGPPGSI

ClinVar aggregate classification (germline): Uncertain significance (1 of 4 stars; one submission).

Conditions:
Familial thoracic aortic aneurysm and aortic dissection (TAAD). Also called: Thoracic aortic aneurysms and dissections. Identifiers: Orphanet 91387, MedGen C4707243, MONDO:0019625.

Submission:

Ambry Genetics
Classification: Uncertain significance for Familial thoracic aortic aneurysm and aortic dissection. Last evaluated: 2025-07-03. Review status: criteria provided, single submitter. Criteria: Ambry Variant Classification Scheme 2023. Collection method: clinical testing. Allele origin: germline.
Comment: The p.E595K variant (also known as c.1783G>A), located in coding exon 27 of the COL5A2 gene, results from a G to A substitution at nucleotide position 1783. The glutamic acid at codon 595 is replaced by lysine, an amino acid with similar properties. This amino acid position is highly conserved in available vertebrate species. In addition, the in silico prediction for this alteration is inconclusive. Based on the available evidence, the clinical significance of this variant remains unclear.